The following is an entry in ClinVar:

NM_001145809.2(MYH14):c.571G>A (p.Asp191Asn)

Gene: MYH14 (myosin heavy chain 14; plus strand). Cytogenetic location: 19q13.33.
Variant type: single nucleotide variant.
Coding change: c.571G>A on transcript NM_001145809.2 (MANE Select); coding-DNA position 571, G replaced by A.
Protein change: p.Asp191Asn; replaces aspartic acid 191 with asparagine.
Molecular consequence: missense variant.
Genome position (GRCh38, 1-based): chr19:50,223,091, G>A. VCF-style: chr19-50223091-G-A. GRCh37 (hg19) VCF-style: chr19-50726348-G-A.
Other names: c.571G>A, p.Asp191Asn (NM_001077186.2, NM_024729.4); short protein forms D191N.
Identifiers: ClinVar variation 2505165 (VCV002505165.3), dbSNP rs2514302844, ClinGen allele CA406950434.

ClinVar aggregate classification (germline): Conflicting classifications of pathogenicity. Review status: criteria provided, conflicting classifications (1 of 4 stars). 2 submissions from 2 submitters: Likely pathogenic (1); Uncertain significance (1). Last evaluated 2025-07-11.

Conditions:
Autosomal dominant nonsyndromic hearing loss 4A. Also called: Deafness, autosomal dominant 4A. Identifiers: Orphanet 90635, MedGen C1833503, MONDO:0010915, OMIM 600652.

Submissions (2):

Victorian Clinical Genetics Services, Murdoch Childrens Research Institute
Classification: Uncertain significance for Autosomal dominant nonsyndromic hearing loss 4A. Last evaluated: 2025-07-11. Review status: criteria provided, single submitter. Criteria: ACMG Guidelines, 2015. Collection method: clinical testing. Allele origin: germline. Affected: yes.
Comment: This variant is classified as VUS-3A. Evidence in support of pathogenic classification: Variant is absent from gnomAD (v2, v3 and v4); This variant has limited previous evidence of pathogenicity in an unrelated individual(s). This variant has been reported in the literature in a family with autosomal dominant sensorineuronal hearing loss (PMID: 38352997); This variant has limited evidence for segregation with disease. It is reported in the literature to be present in two members of a family with sensorineuronal hearing loss, proband and mother (PMID: 38352997). Additional information: Variant is predicted to result in a missense amino acid change from Asp to Asn; This variant is heterozygous; This gene is associated with autosomal dominant disease; No published functional evidence has been identified for this variant; No comparable missense variants have previous evidence for pathogenicity; Variant is located in the annotated myosin head motor domain (DECIPHER); Missense variant with inconclusive in silico prediction and uninformative conservation; Loss of function is a known mechanism of disease in this gene and is associated with autosomal dominant deafness 4A (MIM#600652). A recurrent missense variant has been reported for peripheral neuropathy, myopathy, hoarseness, and hearing loss (MIM#614369) in several independent families and is likely to have a dominant negative mechanism (PMIDs: 31231018, 35274842).

Miami Human Genetics, University Of Miami Miller School Of Medicine
Classification: Likely pathogenic for Autosomal dominant nonsyndromic hearing loss 4A. Last evaluated: 2023-06-02. Review status: criteria provided, single submitter. Criteria: ACMG Guidelines, 2015. Collection method: research. Allele origin: germline. Inheritance: Autosomal dominant inheritance. Affected: yes.

Literature cited by the submitters: PubMed 35274842 (cited by Victorian Clinical Genetics Services, Murdoch Childrens Research Institute); PubMed 38352997 (cited by Victorian Clinical Genetics Services, Murdoch Childrens Research Institute); PubMed 31231018 (cited by Victorian Clinical Genetics Services, Murdoch Childrens Research Institute).